The following is an entry in ClinVar:

NM_000053.4(ATP7B):c.946G>A (p.Glu316Lys)

Gene: ATP7B (ATPase copper transporting beta; minus strand). Cytogenetic location: 13q14.3.
Variant type: single nucleotide variant.
Coding change: c.946G>A on transcript NM_000053.4 (MANE Select); coding-DNA position 946, G replaced by A.
Protein change: p.Glu316Lys; replaces glutamic acid 316 with lysine.
Molecular consequence: missense variant. On other transcripts: intron variant (1).
Genome position (GRCh38, 1-based): chr13:51,974,274, C>T on the plus strand (G>A on the coding strand, the complement: ATP7B is on the minus strand). VCF-style: chr13-51974274-C-T. GRCh37 (hg19) VCF-style: chr13-52548410-C-T.
Other names: c.946G>A, p.Glu316Lys (NM_001005918.3, NM_001330578.2, NM_001330579.2); c.802+144G>A (NM_001243182.2); short protein forms E316K.
Identifiers: ClinVar variation 1519115 (VCV001519115.9), dbSNP rs768818151, ClinGen allele CA6989469.

ClinVar aggregate classification (germline): Uncertain significance. Review status: criteria provided, multiple submitters, no conflicts (2 of 4 stars). 5 submissions from 5 submitters: Uncertain significance (5). Last evaluated 2024-08-30.

Conditions:
Wilson disease (WND). Also called: Wilson's disease. Identifiers: Orphanet 905, MedGen C0019202, MONDO:0010200, OMIM 277900. Disease mechanism: loss of function.

Allele frequency attached by ClinVar (database versions not stated): TOPMed 0.00001; gnomAD 0.00002 and 0.00003; gnomAD exomes 0.00002 and 0.00008; ExAC 0.00008.
gnomAD v4.1: 37 of 1,613,892 alleles (0.0023%); highest among the groups gnomAD compares: East Asian, 0.065%; no homozygotes.

Submissions (5):

Blueprint Genetics
Classification: Uncertain significance. Last evaluated: 2024-08-30. Review status: criteria provided, single submitter. Criteria: ACMG Guidelines, 2015. Collection method: clinical testing. Allele origin: germline.

All of Us Research Program, National Institutes of Health
Classification: Uncertain significance for Wilson disease. Last evaluated: 2023-10-30. Review status: criteria provided, single submitter. Criteria: ACMG Guidelines, 2015. Collection method: clinical testing. Allele origin: germline. Inheritance: Autosomal recessive inheritance. Observed: 2 variant alleles, 2 heterozygotes.
Comment: This missense variant replaces glutamic acid with lysine at codon 316 of the ATP7B protein. Computational prediction is inconclusive regarding the impact of this variant on protein structure and function (internally defined REVEL score threshold 0.5 < inconclusive < 0.7, PMID: 27666373). To our knowledge, functional studies have not been reported for this variant. This variant has not been reported in individuals affected with ATP7B-related disorders in the literature. This variant has been identified in 19/249304 chromosomes in the general population by the Genome Aggregation Database (gnomAD). The available evidence is insufficient to determine the role of this variant in disease conclusively. Therefore, this variant is classified as a Variant of Uncertain Significance.

This study involves interpretation of variants in research participants for the purpose of population health screening. Participant phenotype was not available at the time of variant classification. Additional details can be found in publication PMID: 35346344, PMCID: PMC8962531

Color Diagnostics, LLC DBA Color Health
Classification: Uncertain significance for Wilson disease. Last evaluated: 2023-09-15. Review status: criteria provided, single submitter. Criteria: ACMG Guidelines, 2015. Collection method: clinical testing. Allele origin: germline.
Comment: This missense variant replaces glutamic acid with lysine at codon 316 of the ATP7B protein. Computational prediction is inconclusive regarding the impact of this variant on protein structure and function. To our knowledge, functional studies have not been reported for this variant. This variant has not been reported in individuals affected with ATP7B-related disorders in the literature. This variant has been identified in 19/249304 chromosomes in the general population by the Genome Aggregation Database (gnomAD). The available evidence is insufficient to determine the role of this variant in disease conclusively. Therefore, this variant is classified as a Variant of Uncertain Significance.

Labcorp Genetics (formerly Invitae), Labcorp
Classification: Uncertain significance for Wilson disease. Last evaluated: 2022-04-07. Review status: criteria provided, single submitter. Criteria: Invitae Variant Classification Sherloc (09022015). Collection method: clinical testing. Allele origin: germline.
Comment: This sequence change replaces glutamic acid, which is acidic and polar, with lysine, which is basic and polar, at codon 316 of the ATP7B protein (p.Glu316Lys). This variant is present in population databases (rs768818151, gnomAD 0.1%). This missense change has been observed in individual(s) with Wilson disease (Invitae). Advanced modeling of protein sequence and biophysical properties (such as structural, functional, and spatial information, amino acid conservation, physicochemical variation, residue mobility, and thermodynamic stability) performed at Invitae indicates that this missense variant is expected to disrupt ATP7B protein function. In summary, the available evidence is currently insufficient to determine the role of this variant in disease. Therefore, it has been classified as a Variant of Uncertain Significance.

Fulgent Genetics
Classification: Uncertain significance for Wilson disease. Last evaluated: 2021-09-25. Review status: criteria provided, single submitter. Criteria: ACMG Guidelines, 2015. Collection method: clinical testing. Allele origin: unknown.